The following is an entry in ClinVar:

ClinVar aggregate classification (germline): Likely pathogenic (1 of 4 stars; one submission).

Submission:

GeneDx
Classification: Likely pathogenic. Last evaluated: 2016-08-05. Review status: criteria provided, single submitter. Criteria: GeneDx Variant Classification (06012015). Collection method: clinical testing. Allele origin: germline. Affected: yes.
Comment: The D135H variant has not been published as a pathogenic variant, nor has it been reported as a benign variant to our knowledge. It was not observed in approximately 6,500 individuals of European and African American ancestry in the NHLBI Exome Sequencing Project, indicating it is not a common benign variant in these populations. The D135H variant is a non-conservative amino acid substitution, which is likely to impact secondary protein structure as these residues differ in polarity, charge, size and/or other properties. This substitution occurs at a position that is conserved across species and in silico analysis predicts the D135H variant is probably damaging to the protein structure/function. Therefore, we now interpret D135H as a likely pathogenic variant.

NM_001323289.2(CDKL5):c.403G>C (p.Asp135His)

Gene: CDKL5 (cyclin dependent kinase like 5; plus strand). Cytogenetic location: Xp22.13.
Variant type: single nucleotide variant.
Coding change: c.403G>C on transcript NM_001323289.2 (MANE Select); coding-DNA position 403, G replaced by C.
Protein change: p.Asp135His; replaces aspartic acid 135 with histidine.
Molecular consequence: missense variant.
Genome position (GRCh38, 1-based): chrX:18,579,968, G>C. VCF-style: chrX-18579968-G-C. GRCh37 (hg19) VCF-style: chrX-18598088-G-C.
Other names: c.403G>C, p.Asp135His (NM_001037343.2, NM_003159.3); short protein forms D135H.
Identifiers: ClinVar variation 421114 (VCV000421114.2), dbSNP rs1064794919, ClinGen allele CA16621269.
Genomic context (GRCh38, chrX:18,579,968, plus strand): 5'-TACATCTATCAGCTAATCAAGGCTATTCACTGGTGCCATAAGAATGATATTGTCCATCGA[G>C]GTGAGTATGAGATTTTTAAAATGGAAAATATTAAAACATCAAATAAAGTTAAGAGTATTT-3'
Protein context (NP_001310218.1, residues 125-145): WCHKNDIVHR[Asp135His]IKPENLLISH